The following is an entry in ClinVar:

ClinVar aggregate classification (germline): Uncertain significance. Review status: criteria provided, multiple submitters, no conflicts (2 of 4 stars). 2 submissions from 2 submitters: Uncertain significance (2). Last evaluated 2025-03-19.

Conditions:
Hereditary cancer-predisposing syndrome. Also called: Hereditary Cancer Syndrome; Hereditary neoplastic syndrome; Neoplastic Syndromes, Hereditary; Tumor predisposition. Identifiers: Orphanet 140162, MedGen C0027672, MeSH D009386, MONDO:0015356.
Rhabdoid tumor predisposition syndrome 2 (RTPS2). Identifiers: Orphanet 231108, Orphanet 69077, MedGen C2750074, MONDO:0013224, OMIM 613325.

Submissions (2):

Labcorp Genetics (formerly Invitae), Labcorp
Classification: Uncertain significance for Rhabdoid tumor predisposition syndrome 2. Last evaluated: 2025-03-19. Review status: criteria provided, single submitter. Criteria: Invitae Variant Classification Sherloc (09022015). Collection method: clinical testing. Allele origin: germline.
Comment: This sequence change replaces alanine, which is neutral and non-polar, with glutamic acid, which is acidic and polar, at codon 245 of the SMARCA4 protein (p.Ala245Glu). This variant is not present in population databases (gnomAD no frequency). This variant has not been reported in the literature in individuals affected with SMARCA4-related conditions. ClinVar contains an entry for this variant (Variation ID: 1692598). Invitae Evidence Modeling of protein sequence and biophysical properties (such as structural, functional, and spatial information, amino acid conservation, physicochemical variation, residue mobility, and thermodynamic stability) indicates that this missense variant is not expected to disrupt SMARCA4 protein function with a negative predictive value of 95%. In summary, the available evidence is currently insufficient to determine the role of this variant in disease. Therefore, it has been classified as a Variant of Uncertain Significance.

Sema4
Classification: Uncertain significance for Hereditary cancer-predisposing syndrome. Last evaluated: 2021-08-23. Review status: criteria provided, single submitter. Criteria: Sema4 Curation Guidelines. Collection method: curation. Allele origin: germline.
Comment: The SMARCA4 c.734C>A (p.A245E) variant has not been reported in the literature to our knowledge. It was not observed in the large and broad cohorts of the Genome Aggregation Database and has not been reported in ClinVar. Functional studies have not been performed, and in silico predictions of the variant's effect on protein function are inconclusive. The evidence is insufficient to meet ACMG/AMP criteria for classifying the variant as benign or pathogenic. Thus, the clinical significance of this variant is currently uncertain.

NM_003072.5(SMARCA4):c.734C>A (p.Ala245Glu)

Gene: SMARCA4 (SWI/SNF related BAF chromatin remodeling complex subunit ATPase 4; plus strand). Cytogenetic location: 19p13.2.
Variant type: single nucleotide variant.
Coding change: c.734C>A on transcript NM_003072.5 (MANE Select); coding-DNA position 734, C replaced by A.
Protein change: p.Ala245Glu; replaces alanine 245 with glutamic acid.
Molecular consequence: missense variant. On other transcripts: non-coding transcript variant (1).
Genome position (GRCh38, 1-based): chr19:10,986,567, C>A. VCF-style: chr19-10986567-C-A. GRCh37 (hg19) VCF-style: chr19-11097243-C-A.
Other names: c.734C>A, p.Ala245Glu (NM_001128844.3, NM_001128845.2, NM_001128846.2 and 5 more transcripts); short protein forms A245E.
Identifiers: ClinVar variation 1692598 (VCV001692598.2), dbSNP rs2145785552, ClinGen allele CA404057234.
Genomic context (GRCh38, chr19:10,986,567, plus strand): 5'-TGTCCGCAACAGGACCCGGCCCTGGCCCTGGCCCTGGCCCCGGCCCGGGTCCCGGCCCGG[C>A]ACCTCCAAATTACAGCAGGCCTCATGGTAAGACTGGCTGCCCTGGCCCTCAGGTGTCTCA-3'
Protein context (NP_003063.2, residues 235-255): GPGPGPGPGP[Ala245Glu]PPNYSRPHGM